The following is an entry in ClinVar:

NM_014014.5(SNRNP200):c.-81C>T

Genes: SNRNP200 (small nuclear ribonucleoprotein U5 subunit 200; minus strand), LOC112841608 (Sharpr-MPRA regulatory region 61; plus strand). Cytogenetic location: 2q11.2.
Variant type: single nucleotide variant.
Coding change: c.-81C>T on transcript NM_014014.5 (MANE Select); 81 bases upstream of the start codon, C replaced by T.
Molecular consequence: 5 prime UTR variant.
Genome position (GRCh38, 1-based): chr2:96,305,518, G>A on the plus strand (C>T on the coding strand, the complement: SNRNP200 is on the minus strand). VCF-style: chr2-96305518-G-A. GRCh37 (hg19) VCF-style: chr2-96971256-G-A.
Identifiers: ClinVar variation 337572 (VCV000337572.5), dbSNP rs117673613, ClinGen allele CA10614662.

ClinVar aggregate classification (germline): Benign (1 of 4 stars; one submission).

Conditions:
Retinitis pigmentosa (RP). Identifiers: Orphanet 791, MedGen C0035334, MeSH D012174, MONDO:0019200, OMIM 268000. Inheritance: Autosomal dominant, autosomal recessive and X linked inheritance.

Allele frequency attached by ClinVar (database versions not stated): gnomAD 0.00357; TOPMed 0.00488; 1000 Genomes Project 30x 0.01280; 1000 Genomes Project 0.01378.
gnomAD v4.1: 3,354 of 1,584,696 alleles (0.21%); highest among the groups gnomAD compares: East Asian, 6.5%; 136 homozygotes.

Submission:

Illumina Laboratory Services, Illumina
Classification: Benign for Retinitis pigmentosa. Last evaluated: 2018-01-13. Review status: criteria provided, single submitter. Criteria: ICSL Variant Classification Criteria 13 December 2019. Collection method: clinical testing. Allele origin: germline.
Comment: This variant was observed in the ICSL laboratory as part of a predisposition screen in an ostensibly healthy population. It had not been previously curated by ICSL or reported in the Human Gene Mutation Database (HGMD: prior to June 1st, 2018), and was therefore a candidate for classification through an automated scoring system. Utilizing variant allele frequency, disease prevalence and penetrance estimates, and inheritance mode, an automated score was calculated to assess if this variant is too frequent to cause the disease. Based on the score and internal cut-off values, a variant classified as benign is not then subjected to further curation. The score for this variant resulted in a classification of benign for this disease.